The following is an entry in ClinVar:

ClinVar aggregate classification (germline): Likely pathogenic (1 of 4 stars; one submission).

Conditions:
Hermansky-Pudlak syndrome (HPS). Also called: ALBINISM WITH HEMORRHAGIC DIATHESIS AND PIGMENTED RETICULOENDOTHELIAL CELLS. Identifiers: Orphanet 79430, MedGen C0079504, MONDO:0019312.

Submission:

Natera, Inc.
Classification: Likely pathogenic for Hermansky-Pudlak syndrome. Last evaluated: 2025-08-27. Review status: criteria provided, single submitter. Criteria: Natera Variant Classification Schema (03/2026). Collection method: clinical testing. Allele origin: germline.
Comment: The c.826_827insA variant in HPS3 is a frameshift variant predicted to shift the reading frame beginning at codon 276 and leads to a stop codon 6 codons downstream. This variant is expected to result in nonsense mediated decay, truncation, or a dysfunctional protein product. This variant is rare in the general population with a frequency below the threshold expected for the associated phenotype(s). Given the available evidence, this variant is classified as Likely Pathogenic.

NM_032383.5(HPS3):c.826_827insA (p.Ser276fs)

Gene: HPS3 (HPS3 biogenesis of lysosomal organelles complex 2 subunit 1; plus strand). Cytogenetic location: 3q24.
Variant type: Insertion.
Coding change: c.826_827insA on transcript NM_032383.5 (MANE Select); coding-DNA positions 826 to 827, A inserted.
Protein change: p.Ser276fs; shifts the reading frame from serine 276.
Molecular consequence: frameshift variant.
Genome position: GRCh38 VCF-style: chr3-149141130-T-TA. GRCh37 (hg19) VCF-style: chr3-148858917-T-TA.
Other names: c.331_332insA, p.Ser111fs (NM_001308258.2); c.826_827insA (NM_032383.4); short protein forms S111fs, S276fs.
Identifiers: ClinVar variation 4816328 (VCV004816328.1), dbSNP rs763914859.